The following is an entry in ClinVar:

NM_000540.3(RYR1):c.12394C>A (p.Gln4132Lys)

Gene: RYR1 (ryanodine receptor 1; plus strand). Cytogenetic location: 19q13.2.
Variant type: single nucleotide variant.
Coding change: c.12394C>A on transcript NM_000540.3 (MANE Select); coding-DNA position 12394, C replaced by A.
Protein change: p.Gln4132Lys; replaces glutamine 4132 with lysine.
Molecular consequence: missense variant.
Genome position (GRCh38, 1-based): chr19:38,561,224, C>A. VCF-style: chr19-38561224-C-A. GRCh37 (hg19) VCF-style: chr19-39051864-C-A.
Other names: c.12379C>A, p.Gln4127Lys (NM_001042723.2); short protein forms Q4127K, Q4132K.
Identifiers: ClinVar variation 1481028 (VCV001481028.6), dbSNP rs1317236359, ClinGen allele CA405668597.

ClinVar aggregate classification (germline): Uncertain significance (1 of 4 stars; one submission).

Conditions:
RYR1-related disorder. Also called: RYR1-related condition; RYR1-related disorders. Identifiers: MedGen CN239331.

Submission:

Labcorp Genetics (formerly Invitae), Labcorp
Classification: Uncertain significance for RYR1-related disorder. Last evaluated: 2022-09-27. Review status: criteria provided, single submitter. Criteria: Invitae Variant Classification Sherloc (09022015). Collection method: clinical testing. Allele origin: germline.
Comment: This sequence change replaces glutamine, which is neutral and polar, with lysine, which is basic and polar, at codon 4132 of the RYR1 protein (p.Gln4132Lys). This variant is not present in population databases (gnomAD no frequency). This variant has not been reported in the literature in individuals affected with RYR1-related conditions. ClinVar contains an entry for this variant (Variation ID: 1481028). Advanced modeling of protein sequence and biophysical properties (such as structural, functional, and spatial information, amino acid conservation, physicochemical variation, residue mobility, and thermodynamic stability) performed at Invitae indicates that this missense variant is not expected to disrupt RYR1 protein function. In summary, the available evidence is currently insufficient to determine the role of this variant in disease. Therefore, it has been classified as a Variant of Uncertain Significance.